The following is an entry in ClinVar:

NM_006514.4(SCN10A):c.5123T>C (p.Ile1708Thr)

Gene: SCN10A (sodium voltage-gated channel alpha subunit 10; minus strand). Cytogenetic location: 3p22.2.
Variant type: single nucleotide variant.
Coding change: c.5123T>C on transcript NM_006514.4 (MANE Select); coding-DNA position 5123, T replaced by C.
Protein change: p.Ile1708Thr; replaces isoleucine 1708 with threonine.
Molecular consequence: missense variant.
Genome position (GRCh38, 1-based): chr3:38,698,097, A>G on the plus strand (T>C on the coding strand, the complement: SCN10A is on the minus strand). VCF-style: chr3-38698097-A-G. GRCh37 (hg19) VCF-style: chr3-38739588-A-G.
Other names: c.5120T>C, p.Ile1707Thr (NM_001293306.2); c.4829T>C, p.Ile1610Thr (NM_001293307.2); short protein forms I1707T, I1610T, I1708T.
Identifiers: ClinVar variation 4743322 (VCV004743322.1).

ClinVar aggregate classification (germline): Uncertain significance (1 of 4 stars; one submission).

Conditions:
Brugada syndrome. Also called: Sudden unexpected nocturnal death syndrome; Sudden Unexplained Death Syndrome; Sudden Unexplained Nocturnal Death Syndrome (SUNDS); Sudden unexplained nocturnal death syndrome. Identifiers: Orphanet 130, MedGen C1142166, MONDO:0015263.

Submission:

Labcorp Genetics (formerly Invitae), Labcorp
Classification: Uncertain significance for Brugada syndrome. Last evaluated: 2025-07-20. Review status: criteria provided, single submitter. Criteria: Invitae Variant Classification Sherloc (09022015). Collection method: clinical testing. Allele origin: germline.
Comment: This sequence change replaces isoleucine, which is neutral and non-polar, with threonine, which is neutral and polar, at codon 1708 of the SCN10A protein (p.Ile1708Thr). This variant is not present in population databases (gnomAD no frequency). This variant has not been reported in the literature in individuals affected with SCN10A-related conditions. Invitae Evidence Modeling of protein sequence and biophysical properties (such as structural, functional, and spatial information, amino acid conservation, physicochemical variation, residue mobility, and thermodynamic stability) indicates that this missense variant is expected to disrupt SCN10A protein function with a positive predictive value of 80%. In summary, the available evidence is currently insufficient to determine the role of this variant in disease. Therefore, it has been classified as a Variant of Uncertain Significance.